The following is an entry in ClinVar:

NM_000218.3(KCNQ1):c.1733-16G>A

Gene: KCNQ1 (potassium voltage-gated channel subfamily Q member 1; plus strand). Cytogenetic location: 11p15.5.
Variant type: single nucleotide variant.
Coding change: c.1733-16G>A on transcript NM_000218.3 (MANE Select); 16 bases into the intron before coding-DNA position 1733, G replaced by A.
Molecular consequence: intron variant.
Genome position (GRCh38, 1-based): chr11:2,777,960, G>A. VCF-style: chr11-2777960-G-A. GRCh37 (hg19) VCF-style: chr11-2799190-G-A.
Other names: c.1463-16G>A (NM_001406837.1); c.1637-16G>A (NM_001406836.1); c.1193-16G>A (NM_001406838.1); c.1352-16G>A (NM_181798.2); c.245-16G>A (NM_001406839.1).
Identifiers: ClinVar variation 516903 (VCV000516903.10), dbSNP rs374351635, ClinGen allele CA032384.

ClinVar aggregate classification (germline): Likely benign. Review status: criteria provided, multiple submitters, no conflicts (2 of 4 stars). 2 submissions from 2 submitters: Likely benign (2). Last evaluated 2025-08-25.

Conditions:
Long QT syndrome (LQTS). Identifiers: MedGen C0023976, MeSH D008133, MONDO:0002442. Disease mechanism: loss of function. Inheritance: Various modes of inheritance.

Allele frequency attached by ClinVar (database versions not stated): ExAC 0.00002; gnomAD exomes 0.00002; gnomAD 0.00007 and 0.00008; ESP Exome Variant Server 0.00008; TOPMed 0.00008; 1000 Genomes Project 30x 0.00031; 1000 Genomes Project 0.00040.
gnomAD v4.1: 27 of 1,613,664 alleles (0.0017%); highest among the groups gnomAD compares: African/African-American, 0.027%; no homozygotes.

Submissions (2):

Labcorp Genetics (formerly Invitae), Labcorp
Classification: Likely benign for Long QT syndrome. Last evaluated: 2025-08-25. Review status: criteria provided, single submitter. Criteria: Invitae Variant Classification Sherloc (09022015). Collection method: clinical testing. Allele origin: germline.

GeneDx
Classification: Likely benign. Last evaluated: 2018-02-05. Review status: criteria provided, single submitter. Criteria: GeneDx Variant Classification (06012015). Collection method: clinical testing. Allele origin: germline. Affected: yes.
Comment: This variant is considered likely benign or benign based on one or more of the following criteria: it is a conservative change, it occurs at a poorly conserved position in the protein, it is predicted to be benign by multiple in silico algorithms, and/or has population frequency not consistent with disease.